The following is an entry in ClinVar:

NM_018896.5(CACNA1G):c.3269G>A (p.Arg1090His)

Gene: CACNA1G (calcium voltage-gated channel subunit alpha1 G; plus strand). Cytogenetic location: 17q21.33.
Variant type: single nucleotide variant.
Coding change: c.3269G>A on transcript NM_018896.5 (MANE Select); coding-DNA position 3269, G replaced by A.
Protein change: p.Arg1090His; replaces arginine 1090 with histidine.
Molecular consequence: missense variant. On other transcripts: non-coding transcript variant (5).
Genome position (GRCh38, 1-based): chr17:50,599,438, G>A. VCF-style: chr17-50599438-G-A. GRCh37 (hg19) VCF-style: chr17-48676799-G-A.
Other names: c.3269G>A, p.Arg1090His (NM_001256324.2, NM_001256325.2, NM_001256326.2 and 16 more transcripts); c.3200G>A, p.Arg1067His (NM_001256332.2, NM_198376.3, NM_198379.3 and 5 more transcripts); short protein forms R1090H, R1067H.
Identifiers: ClinVar variation 3711873 (VCV003711873.2).

ClinVar aggregate classification (germline): Uncertain significance (1 of 4 stars; one submission).

gnomAD v4.1: 13 of 1,549,428 alleles (0.00084%); highest among the groups gnomAD compares: East Asian, 0.0049%; no homozygotes.

Submission:

Labcorp Genetics (formerly Invitae), Labcorp
Classification: Uncertain significance. Last evaluated: 2024-04-22. Review status: criteria provided, single submitter. Criteria: Invitae Variant Classification Sherloc (09022015). Collection method: clinical testing. Allele origin: germline.
Comment: This sequence change replaces arginine, which is basic and polar, with histidine, which is basic and polar, at codon 1090 of the CACNA1G protein (p.Arg1090His). The frequency data for this variant in the population databases is considered unreliable, as metrics indicate poor data quality at this position in the gnomAD database. This variant has not been reported in the literature in individuals affected with CACNA1G-related conditions. Advanced modeling of protein sequence and biophysical properties (such as structural, functional, and spatial information, amino acid conservation, physicochemical variation, residue mobility, and thermodynamic stability) has been performed at Invitae for this missense variant, however the output from this modeling did not meet the statistical confidence thresholds required to predict the impact of this variant on CACNA1G protein function. In summary, the available evidence is currently insufficient to determine the role of this variant in disease. Therefore, it has been classified as a Variant of Uncertain Significance.